The following is an entry in ClinVar:

ClinVar aggregate classification (germline): Benign. Review status: criteria provided, multiple submitters, no conflicts (2 of 4 stars). 2 submissions from 2 submitters: Benign (2). Last evaluated 2026-09-01.

Submissions (2):

CeGaT Center for Human Genetics Tuebingen
Classification: Benign. Last evaluated: 2026-09-01. Review status: criteria provided, single submitter. Criteria: CeGaT Center For Human Genetics Tuebingen Variant Classification Criteria Version 2. Collection method: clinical testing. Allele origin: germline. Affected: yes. Observed: 27 variant alleles.
Comment: KCNQ1OT1: BS1, BS2

Blueprint Genetics
Classification: Benign. Last evaluated: 2024-11-22. Review status: criteria provided, single submitter. Criteria: ACMG Guidelines, 2015. Collection method: clinical testing. Allele origin: germline.

NM_000218.3(KCNQ1):c.1394-1870_1394-1863del

Genes: KCNQ1 (potassium voltage-gated channel subfamily Q member 1; plus strand), KCNQ1OT1 (KCNQ1 opposite strand/antisense transcript 1; minus strand). Cytogenetic location: 11p15.5.
Variant type: Deletion.
Coding change: c.1394-1870_1394-1863del on transcript NM_000218.3 (MANE Select); 1870 bases into the intron before coding-DNA position 1394 through 1863 bases into the intron before coding-DNA position 1394, 8 bases deleted (GGTTTCGT; older notation c.1394-1870_1394-1863delGGTTTCGT).
Molecular consequence: intron variant. On other transcripts: non-coding transcript variant (1).
Genome position (GRCh38, 1-based): chr11:2,660,091-2,660,098, GGTTTCGT deleted; deleting any 8 consecutive bases within chr11:2,660,090-2,660,098 gives the same sequence; the c. name uses the placement nearest the transcript's 3' end. VCF-style (leftmost placement, unchanged base first): chr11-2660089-TTGGTTTCG-T. GRCh37 (hg19) VCF-style: chr11-2681319-TTGGTTTCG-T.
Other names: c.1124-1870_1124-1863del (NM_001406837.1); c.1298-1870_1298-1863del (NM_001406836.1); c.854-1870_854-1863del (NM_001406838.1); c.1013-1870_1013-1863del (NM_181798.2).
Identifiers: ClinVar variation 3389304 (VCV003389304.15).